The following is an entry in ClinVar:

ClinVar aggregate classification (germline): Uncertain significance (1 of 4 stars; one submission).

Conditions:
Inborn genetic diseases. Identifiers: MedGen C0950123, MeSH D030342.

gnomAD v4.1: 1 of 1,603,436 alleles (0.000062%); no homozygotes.

Submission:

Ambry Genetics
Classification: Uncertain significance for Inborn genetic diseases. Last evaluated: 2026-04-28. Review status: criteria provided, single submitter. Criteria: Ambry Variant Classification Scheme 2023. Collection method: clinical testing. Allele origin: germline.
Comment: The c.798+4A>G intronic variant results from an A to G substitution 4 nucleotides after coding exon 8 in the DDX41 gene. This nucleotide position is highly conserved in available vertebrate species. In silico splice site analysis for this alteration is inconclusive. Based on the available evidence, the clinical significance of this variant remains unclear.

NM_016222.4(DDX41):c.798+4A>G

Gene: DDX41 (DEAD-box helicase 41; minus strand). Cytogenetic location: 5q35.3.
Variant type: single nucleotide variant.
Coding change: c.798+4A>G on transcript NM_016222.4 (MANE Select); 4 bases into the intron after coding-DNA position 798, A replaced by G.
Molecular consequence: intron variant.
Genome position (GRCh38, 1-based): chr5:177,514,912, T>C on the plus strand (A>G on the coding strand, the complement: DDX41 is on the minus strand). VCF-style: chr5-177514912-T-C. GRCh37 (hg19) VCF-style: chr5-176941913-T-C.
Other names: c.420+4A>G (NM_001321830.2, NM_001321732.2).
Identifiers: ClinVar variation 4869660 (VCV004869660.1).